The following is an entry in ClinVar:

ClinVar aggregate classification (germline): Uncertain significance. Review status: criteria provided, multiple submitters, no conflicts (2 of 4 stars). 4 submissions from 4 submitters: Uncertain significance (4). Last evaluated 2025-09-18.

Conditions:
SPTLC1-related disorder. Also called: SPTLC1-related condition.
Childhood onset hearing loss.
Hereditary sensory and autonomic neuropathy type 1 (HSAN1). Also called: HSAN 1; HSN Type I; Hereditary Sensory Neuropathy Type I. Identifiers: Orphanet 36386, MedGen C0020071, MONDO:0018213.

Allele frequency attached by ClinVar (database versions not stated): gnomAD exomes 0.00001 and below 0.00001; gnomAD 0.00001.
gnomAD v4.1: 13 of 1,614,022 alleles (0.00081%); highest among the groups gnomAD compares: South Asian, 0.0088%; no homozygotes.

Submissions (4):

PreventionGenetics, part of Exact Sciences
Classification: Uncertain significance for SPTLC1-related condition. Last evaluated: 2025-09-18. Review status: criteria provided, single submitter. Criteria: ACMG Guidelines, 2015. Collection method: clinical testing. Allele origin: germline.
Comment: The SPTLC1 c.1346C>T variant is predicted to result in the amino acid substitution p.Thr449Met. This variant was reported in an individual with hearing loss (reported as Thr294Met in Adeyemo et al. 2022. PubMed ID: 34837038). This variant is reported in 0.0033% of alleles in individuals of South Asian descent in gnomAD. At this time, the clinical significance of this variant is uncertain due to the absence of conclusive functional and genetic evidence.

Women's Health and Genetics/Laboratory Corporation of America, LabCorp
Classification: Uncertain significance. Last evaluated: 2024-06-20. Review status: criteria provided, single submitter. Criteria: LabCorp Variant Classification Summary - May 2015. Collection method: clinical testing. Allele origin: germline.
Comment: Variant summary: SPTLC1 c.1346C>T (p.Thr449Met) results in a non-conservative amino acid change located in the Aminotransferase, class I/classII domain (IPR004839) of the encoded protein sequence. Five of five in-silico tools predict a damaging effect of the variant on protein function. The variant allele was found at a frequency of 4e-06 in 251480 control chromosomes (gnomAD). The available data on variant occurrences in the general population are insufficient to allow any conclusion about variant significance. c.1346C>T has been reported in the literature in an individual affected with hearing loss (Adeyemo_2022). This report does not provide unequivocal conclusions about association of the variant with Neuropathy, Hereditary Sensory And Autonomic, Type 1A. To our knowledge, no experimental evidence demonstrating an impact on protein function has been reported. The following publication has been ascertained in the context of this evaluation (PMID: 34837038). ClinVar contains an entry for this variant (Variation ID: 1027568). Based on the evidence outlined above, the variant was classified as uncertain significance.

Labcorp Genetics (formerly Invitae), Labcorp
Classification: Uncertain significance for Hereditary sensory and autonomic neuropathy type 1. Last evaluated: 2023-10-23. Review status: criteria provided, single submitter. Criteria: Invitae Variant Classification Sherloc (09022015). Collection method: clinical testing. Allele origin: germline.
Comment: This sequence change replaces threonine, which is neutral and polar, with methionine, which is neutral and non-polar, at codon 449 of the SPTLC1 protein (p.Thr449Met). This variant is present in population databases (no rsID available, gnomAD 0.003%). This missense change has been observed in individual(s) with hearing loss (PMID: 34837038). ClinVar contains an entry for this variant (Variation ID: 1027568). Advanced modeling of protein sequence and biophysical properties (such as structural, functional, and spatial information, amino acid conservation, physicochemical variation, residue mobility, and thermodynamic stability) performed at Invitae indicates that this missense variant is not expected to disrupt SPTLC1 protein function with a negative predictive value of 80%. In summary, the available evidence is currently insufficient to determine the role of this variant in disease. Therefore, it has been classified as a Variant of Uncertain Significance.

National Institute on Deafness and Communication Disorders, National Institutes of Health
Classification: Uncertain significance for Childhood onset hearing loss. Last evaluated: 2021-07-08. Review status: criteria provided, single submitter. Criteria: ClinGen HL ACMG Specifications v1. Collection method: research. Allele origin: germline. Inheritance: Autosomal dominant inheritance. Affected: yes. Observed: 1 heterozygote. Segregation with disease not observed.
Comment: PM2, PP3 / Modifications from PMID: 30311386 for classification: The genetic causes of hearing loss have not yet been well characterized in the Yoruba population, and the information regarding variant MAF in this population is still limited, so we did not exclude any variant based on their "high" MAF. PP3 criteria was applied even if the REVEL score was below 0.7, if at least two of the pathogenicity prediction algorithms used predicted that the variant was damaging or likely damaging.

Literature cited by the submitters: PubMed 34837038 (cited by Women's Health and Genetics/Laboratory Corporation of America, LabCorp and Labcorp Genetics (formerly Invitae), Labcorp).

NM_006415.4(SPTLC1):c.1346C>T (p.Thr449Met)

Gene: SPTLC1 (serine palmitoyltransferase long chain base subunit 1; minus strand). Cytogenetic location: 9q22.31.
Variant type: single nucleotide variant.
Coding change: c.1346C>T on transcript NM_006415.4 (MANE Select); coding-DNA position 1346, C replaced by T.
Protein change: p.Thr449Met; replaces threonine 449 with methionine.
Molecular consequence: missense variant. On other transcripts: intron variant (1).
Genome position (GRCh38, 1-based): chr9:92,032,541, G>A on the plus strand (C>T on the coding strand, the complement: SPTLC1 is on the minus strand). VCF-style: chr9-92032541-G-A. GRCh37 (hg19) VCF-style: chr9-94794823-G-A.
Other names: c.980C>T, p.Thr327Met (NM_001368272.1); c.881C>T, p.Thr294Met (NM_001368273.1); c.1329-15C>T (NM_001281303.2); c.1346C>T (NM_006415.3); short protein forms T294M, T327M, T449M.
Identifiers: ClinVar variation 1027568 (VCV001027568.8), dbSNP rs1391275819, ClinGen allele CA373789190.
Genomic context (GRCh38, chr9:92,032,541, plus strand): 5'-TGGGCTACCTCCTTGATGGTGGACGCAGCTCTCTCCAGTTCTTCCTCTGTTTGTTCCACC[G>A]TGACCACAACCCGAATGCTGAGAACAGTAAAGGACACAAAGAATTATCTTTGTGGGCCAG-3'
Protein context (NP_006406.1, residues 439-459): LPPPSIRVVV[Thr449Met]VEQTEEELER